The following is an entry in ClinVar:

NM_001134363.3(RBM20):c.922G>A (p.Val308Ile)

Gene: RBM20 (RNA binding motif protein 20; plus strand). Cytogenetic location: 10q25.2.
Variant type: single nucleotide variant.
Coding change: c.922G>A on transcript NM_001134363.3 (MANE Select); coding-DNA position 922, G replaced by A.
Protein change: p.Val308Ile; replaces valine 308 with isoleucine.
Molecular consequence: missense variant.
Genome position (GRCh38, 1-based): chr10:110,781,531, G>A. VCF-style: chr10-110781531-G-A. GRCh37 (hg19) VCF-style: chr10-112541289-G-A.
Other names: short protein forms V308I.
Identifiers: ClinVar variation 652661 (VCV000652661.8), dbSNP rs1590674817, ClinGen allele CA378384624.

ClinVar aggregate classification (germline): Uncertain significance (1 of 4 stars; one submission).

Conditions:
Dilated cardiomyopathy 1DD (CMD1DD). Identifiers: Orphanet 154, MedGen C2750995, MONDO:0013168, OMIM 613172.

Submission:

Labcorp Genetics (formerly Invitae), Labcorp
Classification: Uncertain significance for Dilated cardiomyopathy 1DD. Last evaluated: 2025-09-10. Review status: criteria provided, single submitter. Criteria: Invitae Variant Classification Sherloc (09022015). Collection method: clinical testing. Allele origin: germline.
Comment: This sequence change replaces valine, which is neutral and non-polar, with isoleucine, which is neutral and non-polar, at codon 308 of the RBM20 protein (p.Val308Ile). This variant is not present in population databases (gnomAD no frequency). This variant has not been reported in the literature in individuals affected with RBM20-related conditions. ClinVar contains an entry for this variant (Variation ID: 652661). Invitae Evidence Modeling of protein sequence and biophysical properties (such as structural, functional, and spatial information, amino acid conservation, physicochemical variation, residue mobility, and thermodynamic stability) indicates that this missense variant is not expected to disrupt RBM20 protein function with a negative predictive value of 95%. In summary, the available evidence is currently insufficient to determine the role of this variant in disease. Therefore, it has been classified as a Variant of Uncertain Significance.